The following is an entry in ClinVar:

NM_001349253.2(SCN11A):c.386+4T>C

Gene: SCN11A (sodium voltage-gated channel alpha subunit 11; minus strand). Cytogenetic location: 3p22.2.
Variant type: single nucleotide variant.
Coding change: c.386+4T>C on transcript NM_001349253.2 (MANE Select); 4 bases into the intron after coding-DNA position 386, T replaced by C.
Molecular consequence: intron variant.
Genome position (GRCh38, 1-based): chr3:38,946,785, A>G on the plus strand (T>C on the coding strand, the complement: SCN11A is on the minus strand). VCF-style: chr3-38946785-A-G. GRCh37 (hg19) VCF-style: chr3-38988276-A-G.
Other names: c.386+4T>C (NM_014139.3).
Identifiers: ClinVar variation 3751581 (VCV003751581.2).

ClinVar aggregate classification (germline): Uncertain significance (1 of 4 stars; one submission).

Conditions:
Hereditary sensory and autonomic neuropathy type 7. Also called: HSAN VII; Neuropathy, hereditary sensory and autonomic, type VII. Identifiers: Orphanet 391397, MedGen C3809882, MONDO:0014244, OMIM 615548.
Familial episodic pain syndrome with predominantly lower limb involvement. Also called: Episodic pain syndrome, familial, 3. Identifiers: Orphanet 391384, Orphanet 391392, MedGen C3809899, MONDO:0014247, OMIM 615552.

Submission:

Labcorp Genetics (formerly Invitae), Labcorp
Classification: Uncertain significance for Familial episodic pain syndrome with predominantly lower limb involvement; Hereditary sensory and autonomic neuropathy type 7. Last evaluated: 2024-05-07. Review status: criteria provided, single submitter. Criteria: Invitae Variant Classification Sherloc (09022015). Collection method: clinical testing. Allele origin: germline.
Comment: This sequence change falls in intron 2 of the SCN11A gene. It does not directly change the encoded amino acid sequence of the SCN11A protein. It affects a nucleotide within the consensus splice site. This variant is not present in population databases (gnomAD no frequency). This variant has not been reported in the literature in individuals affected with SCN11A-related conditions. Variants that disrupt the consensus splice site are a relatively common cause of aberrant splicing (PMID: 17576681, 9536098). Algorithms developed to predict the effect of sequence changes on RNA splicing suggest that this variant may disrupt the consensus splice site. In summary, the available evidence is currently insufficient to determine the role of this variant in disease. Therefore, it has been classified as a Variant of Uncertain Significance.

Literature cited by the submitters: PubMed 17576681; PubMed 9536098.